The following is an entry in ClinVar:

ClinVar aggregate classification (germline): Likely benign (1 of 4 stars; one submission).

Submission:

GeneDx
Classification: Likely benign. Last evaluated: 2017-09-25. Review status: criteria provided, single submitter. Criteria: GeneDx Variant Classification (06012015). Collection method: clinical testing. Allele origin: germline. Affected: yes.
Comment: This variant is considered likely benign or benign based on one or more of the following criteria: it is a conservative change, it occurs at a poorly conserved position in the protein, it is predicted to be benign by multiple in silico algorithms, and/or has population frequency not consistent with disease.

NM_003238.6(TGFB2):c.1086+19T>C

Gene: TGFB2 (transforming growth factor beta 2; plus strand). Cytogenetic location: 1q41.
Variant type: single nucleotide variant.
Coding change: c.1086+19T>C on transcript NM_003238.6 (MANE Select); 19 bases into the intron after coding-DNA position 1086, T replaced by C.
Molecular consequence: intron variant.
Genome position (GRCh38, 1-based): chr1:218,437,515, T>C. VCF-style: chr1-218437515-T-C. GRCh37 (hg19) VCF-style: chr1-218610857-T-C.
Other names: c.1170+19T>C (NM_001135599.4).
Identifiers: ClinVar variation 512195 (VCV000512195.1), dbSNP rs1553303372, ClinGen allele CA658795611.